The following is an entry in ClinVar:

NM_000051.4(ATM):c.8848_8850+3del

Genes: C11orf65 (chromosome 11 open reading frame 65; minus strand), ATM (ATM serine/threonine kinase; plus strand). Cytogenetic location: 11q22.3.
Variant type: Deletion.
Coding change: c.8848_8850+3del on transcript NM_000051.4 (MANE Select); coding-DNA position 8848 through 3 bases into the intron after coding-DNA position 8850, 6 bases deleted (GAGGTA; older notation c.8848_8850+3delGAGGTA).
Molecular consequence: splice donor variant. On other transcripts: intron variant (2).
Genome position (GRCh38, 1-based): chr11:108,354,872-108,354,877, GAGGTA deleted; deleting any 6 consecutive bases within chr11:108,354,869-108,354,877 gives the same sequence; the c. name uses the placement nearest the transcript's 3' end. VCF-style (leftmost placement, unchanged base first): chr11-108354868-TGTAGAG-T. GRCh37 (hg19) VCF-style: chr11-108225595-TGTAGAG-T.
Other names: c.8848_8850+3del (NM_001351834.2); c.640+31046_640+31051del (NM_001330368.2); c.695-19582_695-19577del (NM_001351110.2).
Identifiers: ClinVar variation 1053532 (VCV001053532.9), dbSNP rs2137353827, ClinGen allele CA2499220738.

ClinVar aggregate classification (germline): Conflicting classifications of pathogenicity. Review status: criteria provided, conflicting classifications (1 of 4 stars). 3 submissions from 3 submitters: Likely pathogenic (2); Uncertain significance (1). Last evaluated 2025-10-29.

Conditions:
Familial cancer of breast. Also called: Hereditary breast cancer; hereditary breast carcinoma; BREAST CANCER, FAMILIAL. Identifiers: Orphanet 227535, MedGen C0346153, MONDO:0016419, OMIM 114480. Disease mechanism: loss of function.
Hereditary cancer-predisposing syndrome. Also called: Neoplastic Syndromes, Hereditary; Tumor predisposition; Hereditary Cancer Syndrome; Hereditary neoplastic syndrome. Identifiers: Orphanet 140162, MedGen C0027672, MeSH D009386, MONDO:0015356.
Ataxia-telangiectasia syndrome (AT). Also called: Ataxia telangiectasia (A-T); ATAXIA-TELANGIECTASIA, COMPLEMENTATION GROUP A; ATAXIA-TELANGIECTASIA, FRESNO VARIANT; Ataxia-telangiectasia; Ataxia-telangiectasia, complementation group E; LOUIS-BAR SYNDROME. Identifiers: Orphanet 100, MedGen C0004135, MONDO:0008840, OMIM 208900.

Submissions (3):

Ambry Genetics
Classification: Likely pathogenic for Hereditary cancer-predisposing syndrome. Last evaluated: 2025-10-29. Review status: criteria provided, single submitter. Criteria: Ambry Variant Classification Scheme 2023. Collection method: clinical testing. Allele origin: germline.
Comment: The c.8848_8850+3DELGAGGTA variant results from a deletion of 6 nucleotides between positions 8848 and 8850+3 and involves the canonical splice donor site after coding exon 60 of the ATM gene. This variant is considered to be rare based on population cohorts in the Genome Aggregation Database (gnomAD). The canonical splice donor site is well conserved in available vertebrate species. In silico splice site analysis predicts that this alteration will weaken the native splice donor site and will result in the creation or strengthening of a novel splice donor site; however, the exact impact of this deletion on splicing and function is currently unknown. Alterations that disrupt the canonical splice site are expected to cause aberrant splicing, resulting in an abnormal protein or a transcript that is subject to nonsense-mediated mRNA decay. As such, this alteration is classified as likely pathogenic.

Myriad Genetics, Inc.
Classification: Likely pathogenic for Familial cancer of breast. Last evaluated: 2024-02-05. Review status: criteria provided, single submitter. Criteria: Myriad Autosomal Dominant, Autosomal Recessive and X-Linked Classification Criteria (2023). Collection method: clinical testing. Allele origin: unknown.
Comment: This variant is considered likely pathogenic. This variant occurs within a consensus splice junction and is predicted to result in abnormal mRNA splicing of either an out-of-frame exon or an in-frame exon necessary for protein stability and/or normal function.

Labcorp Genetics (formerly Invitae), Labcorp
Classification: Uncertain significance for Ataxia-telangiectasia syndrome. Last evaluated: 2020-09-20. Review status: criteria provided, single submitter. Criteria: Invitae Variant Classification Sherloc (09022015). Collection method: clinical testing. Allele origin: germline.
Comment: In summary, the available evidence is currently insufficient to determine the role of this variant in disease. Therefore, it has been classified as a Variant of Uncertain Significance. Nucleotide substitutions within the consensus splice site are a relatively common cause of aberrant splicing (PMID: 17576681, 9536098). Algorithms developed to predict the effect of sequence changes on RNA splicing suggest that this variant may disrupt the consensus splice site, but this prediction has not been confirmed by published transcriptional studies. Experimental studies and prediction algorithms are not available or were not evaluated, and the functional significance of this variant is currently unknown. This variant has not been reported in the literature in individuals with ATM-related conditions. This variant is not present in population databases (ExAC no frequency). This variant, c.8845_8850del, results in the deletion of 2 amino acid(s) of the ATM protein (p.Val2949_Glu2950del), but otherwise preserves the integrity of the reading frame. This variant also falls at the last nucleotide of exon 61 of the ATM coding sequence, which is part of the consensus splice site for this exon.

Literature cited by the submitters: PubMed 17576681 (cited by Labcorp Genetics (formerly Invitae), Labcorp); PubMed 9536098 (cited by Labcorp Genetics (formerly Invitae), Labcorp).